The following is an entry in ClinVar:

ClinVar aggregate classification (germline): Uncertain significance (1 of 4 stars; one submission).

Conditions:
Inborn genetic diseases. Identifiers: MedGen C0950123, MeSH D030342.

Submission:

Ambry Genetics
Classification: Uncertain significance for Inborn genetic diseases. Last evaluated: 2025-09-01. Review status: criteria provided, single submitter. Criteria: Ambry Variant Classification Scheme 2023. Collection method: clinical testing. Allele origin: germline.
Comment: The p.Q192R variant (also known as c.575A>G), located in coding exon 5 of the BUB1B gene, results from an A to G substitution at nucleotide position 575. The glutamine at codon 192 is replaced by arginine, an amino acid with highly similar properties. This amino acid position is conserved. In addition, this alteration is predicted to be tolerated by in silico analysis. Based on the available evidence, the clinical significance of this variant remains unclear.

NM_001211.6(BUB1B):c.575A>G (p.Gln192Arg)

Gene: BUB1B (BUB1 mitotic checkpoint serine/threonine kinase B; plus strand). Cytogenetic location: 15q15.1.
Variant type: single nucleotide variant.
Coding change: c.575A>G on transcript NM_001211.6 (MANE Select); coding-DNA position 575, A replaced by G.
Protein change: p.Gln192Arg; replaces glutamine 192 with arginine.
Molecular consequence: missense variant.
Genome position (GRCh38, 1-based): chr15:40,176,667, A>G. VCF-style: chr15-40176667-A-G. GRCh37 (hg19) VCF-style: chr15-40468868-A-G.
Other names: short protein forms Q192R.
Identifiers: ClinVar variation 3483262 (VCV003483262.2).